The following is an entry in ClinVar:

NM_006267.5(RANBP2):c.3228_3229delinsAA (p.Gln1077Lys)

Gene: RANBP2 (RAN binding protein 2; plus strand). Cytogenetic location: 2q13.
Variant type: Indel.
Coding change: c.3228_3229delinsAA on transcript NM_006267.5 (MANE Select); coding-DNA positions 3228 to 3229, GC replaced by AA.
Protein change: p.Gln1077Lys; replaces glutamine 1077 with lysine.
Molecular consequence: missense variant.
Genome position (GRCh38, 1-based): chr2:108,763,767-108,763,768, GC replaced by AA. VCF-style: chr2-108763767-GC-AA. GRCh37 (hg19) VCF-style: chr2-109380223-GC-AA.
Other names: short protein forms Q1077K.
Identifiers: ClinVar variation 469450 (VCV000469450.8), dbSNP rs1553494518, ClinGen allele CA658657055.
Genomic context (GRCh38, chr2:108,763,767, plus strand): 5'-TCCTGCAGCTTACAGTAACAGTGAAAGCCTTTTAGGTCTCCTGACTTCAGATAAACCCTT[GC>AA]AAGGAGATGGCTATAGTGGAGCCAAACCAATTCCTGGTGGTCAAACCATTGGGCCTCGAA-3'
Protein context (NP_006258.3, residues 1067-1087): LGLLTSDKPL[Gln1077Lys]GDGYSGAKPI

ClinVar aggregate classification (germline): Uncertain significance (1 of 4 stars; one submission).

Conditions:
Familial acute necrotizing encephalopathy (IIAE3). Also called: Susceptibility to Acute Necrotizing Encephalopathy 1; ENCEPHALOPATHY, ACUTE, INFECTION-INDUCED, SUSCEPTIBILITY TO, 3. Identifiers: Orphanet 88619, MedGen C2675556, MONDO:0011953, OMIM 608033.

Submission:

Labcorp Genetics (formerly Invitae), Labcorp
Classification: Uncertain significance for Familial acute necrotizing encephalopathy. Last evaluated: 2018-09-15. Review status: criteria provided, single submitter. Criteria: Invitae Variant Classification Sherloc (09022015). Collection method: clinical testing. Allele origin: germline.
Comment: This sequence change replaces glutamine with lysine at codon 1077 of the RANBP2 protein (p.Gln1077Lys). The glutamine residue is highly conserved and there is a small physicochemical difference between glutamine and lysine. This variant is not present in population databases (ExAC no frequency) and has not been reported in the literature in individuals with a RANBP2-related disease. Algorithms developed to predict the effect of missense changes on protein structure and function (SIFT, Align-GVGD) all suggest that this variant is likely to be disruptive, but these predictions have not been confirmed by published functional studies. In summary, this variant is a novel missense change with uncertain impact on protein function. It has been classified as a Variant of Uncertain Significance.